The following is an entry in ClinVar:

NM_004415.4(DSP):c.1726T>C (p.Tyr576His)

Gene: DSP (desmoplakin; plus strand). Cytogenetic location: 6p24.3.
Variant type: single nucleotide variant.
Coding change: c.1726T>C on transcript NM_004415.4 (MANE Select); coding-DNA position 1726, T replaced by C.
Protein change: p.Tyr576His; replaces tyrosine 576 with histidine.
Molecular consequence: missense variant.
Genome position (GRCh38, 1-based): chr6:7,571,407, T>C. VCF-style: chr6-7571407-T-C. GRCh37 (hg19) VCF-style: chr6-7571640-T-C.
Other names: c.1726T>C (NM_004415.2); c.1726T>C, p.Tyr576His (NM_001008844.3, NM_001319034.2); short protein forms Y576H.
Identifiers: ClinVar variation 1487035 (VCV001487035.11), dbSNP rs1251859576, ClinGen allele CA362678934.
Genomic context (GRCh38, chr6:7,571,407, plus strand): 5'-ATAAATCCCAAATCACTTCTGCCTGTCTCCTTTCAGCTGAAAACAATGCGGCAGGAAGAT[T>C]ACATGAAGACGATAGCCGACCTTGAGTTACATTACCAAGAGTTCATCAGAAATAGCCAAG-3'
Protein context (NP_004406.2, residues 566-586): AKLKTMRQED[Tyr576His]MKTIADLELH

ClinVar aggregate classification (germline): Uncertain significance. Review status: criteria provided, multiple submitters, no conflicts (2 of 4 stars). 4 submissions from 4 submitters: Uncertain significance (4). Last evaluated 2025-10-05.

Conditions:
Arrhythmogenic right ventricular dysplasia 8 (ARVD8). Also called: Arrhythmogenic Right Ventricular Dysplasia/Cardiomyopathy 8; ARRHYTHMOGENIC RIGHT VENTRICULAR DYSPLASIA, FAMILIAL, 8; ARRHYTHMOGENIC RIGHT VENTRICULAR CARDIOMYOPATHY 8. Identifiers: MedGen C1843896, MONDO:0011831, OMIM 607450.
Arrhythmogenic cardiomyopathy with wooly hair and keratoderma. Also called: PALMOPLANTAR KERATODERMA WITH LEFT VENTRICULAR CARDIOMYOPATHY AND WOOLLY HAIR; Arrhythmogenic cardiomyopathy with woolly hair and keratoderma; Carvajal syndrome; Dilated cardiomyopathy with woolly hair and keratoderma. Identifiers: Orphanet 65282, MedGen C1854063, MONDO:0011581, OMIM 605676.
Cardiovascular phenotype. Identifiers: MedGen CN230736.
Cardiomyopathy (CMYO). Also called: Cardiomyopathies. Identifiers: Orphanet 167848, MedGen C0878544, MONDO:0004994, HP:0001638. Inheritance: Various modes of inheritance.

Allele frequency attached by ClinVar (database versions not stated): gnomAD 0.00001; gnomAD exomes 0.00001; TOPMed 0.00002.
gnomAD v4.1: 13 of 1,614,048 alleles (0.00081%); highest among the groups gnomAD compares: Non-Finnish European, 0.0011%; no homozygotes.

Submissions (4):

Color Diagnostics, LLC DBA Color Health
Classification: Uncertain significance for Cardiomyopathy. Last evaluated: 2025-10-05. Review status: criteria provided, single submitter. Criteria: ACMG Guidelines, 2015. Collection method: clinical testing. Allele origin: germline.
Comment: This missense variant replaces tyrosine with histidine at codon 576 of the DSP protein. Computational prediction suggests that this variant may not impact protein structure and function. To our knowledge, functional studies have not been reported for this variant. This variant has not been reported in individuals affected with DSP-related disorders in the literature. This variant has not been identified in the general population by the Genome Aggregation Database (gnomAD). The available evidence is insufficient to determine the role of this variant in disease conclusively. Therefore, this variant is classified as a Variant of Uncertain Significance.

Labcorp Genetics (formerly Invitae), Labcorp
Classification: Uncertain significance for Arrhythmogenic cardiomyopathy with wooly hair and keratoderma; Arrhythmogenic right ventricular dysplasia 8. Last evaluated: 2025-07-23. Review status: criteria provided, single submitter. Criteria: Invitae Variant Classification Sherloc (09022015). Collection method: clinical testing. Allele origin: germline.
Comment: This sequence change replaces tyrosine, which is neutral and polar, with histidine, which is basic and polar, at codon 576 of the DSP protein (p.Tyr576His). This variant is not present in population databases (gnomAD no frequency). This variant has not been reported in the literature in individuals affected with DSP-related conditions. ClinVar contains an entry for this variant (Variation ID: 1487035). An algorithm developed to predict the effect of missense changes on protein structure and function (PolyPhen-2) suggests that this variant is likely to be disruptive. In summary, the available evidence is currently insufficient to determine the role of this variant in disease. Therefore, it has been classified as a Variant of Uncertain Significance.

Ambry Genetics
Classification: Uncertain significance for Cardiovascular phenotype. Last evaluated: 2024-06-21. Review status: criteria provided, single submitter. Criteria: Ambry Variant Classification Scheme 2023. Collection method: clinical testing. Allele origin: germline.
Comment: The p.Y576H variant (also known as c.1726T>C), located in coding exon 14 of the DSP gene, results from a T to C substitution at nucleotide position 1726. The tyrosine at codon 576 is replaced by histidine, an amino acid with similar properties. This amino acid position is conserved. In addition, the in silico prediction for this alteration is inconclusive. Based on the available evidence, the clinical significance of this variant remains unclear.

All of Us Research Program, National Institutes of Health
Classification: Uncertain significance for Arrhythmogenic cardiomyopathy with wooly hair and keratoderma. Last evaluated: 2023-10-02. Review status: criteria provided, single submitter. Criteria: ACMG Guidelines, 2015. Collection method: clinical testing. Allele origin: germline. Inheritance: Autosomal dominant inheritance. Observed: 2 variant alleles, 2 heterozygotes.
Comment: This missense variant replaces tyrosine with histidine at codon 576 of the DSP protein. Computational prediction suggests that this variant may not impact protein structure and function (internally defined REVEL score threshold <= 0.5, PMID: 27666373). To our knowledge, functional studies have not been reported for this variant. This variant has not been reported in individuals affected with DSP-related disorders in the literature. This variant has not been identified in the general population by the Genome Aggregation Database (gnomAD). The available evidence is insufficient to determine the role of this variant in disease conclusively. Therefore, this variant is classified as a Variant of Uncertain Significance.

This study involves interpretation of variants in research participants for the purpose of population health screening. Participant phenotype was not available at the time of variant classification. Additional details can be found in publication PMID: 35346344, PMCID: PMC8962531